The following is an entry in ClinVar:

NM_000038.6(APC):c.3701G>T (p.Ser1234Ile)

Gene: APC (APC regulator of Wnt signaling pathway; plus strand). Cytogenetic location: 5q22.2.
Variant type: single nucleotide variant.
Coding change: c.3701G>T on transcript NM_000038.6 (MANE Select); coding-DNA position 3701, G replaced by T.
Protein change: p.Ser1234Ile; replaces serine 1234 with isoleucine.
Molecular consequence: missense variant. On other transcripts: non-coding transcript variant (2).
Genome position (GRCh38, 1-based): chr5:112,839,295, G>T. VCF-style: chr5-112839295-G-T. GRCh37 (hg19) VCF-style: chr5-112174992-G-T.
Other names: c.3701G>T, p.Ser1234Ile (NM_001127510.3, NM_001354895.2, NM_001407450.1); c.3647G>T, p.Ser1216Ile (NM_001127511.3); c.3755G>T, p.Ser1252Ile (NM_001354896.2, NM_001407447.1, NM_001407448.1 and 1 more transcripts); c.3731G>T, p.Ser1244Ile (NM_001354897.2); c.3626G>T, p.Ser1209Ile (NM_001354898.2); c.3617G>T, p.Ser1206Ile (NM_001354899.2); c.3578G>T, p.Ser1193Ile (NM_001354900.2); c.3524G>T, p.Ser1175Ile (NM_001354901.2, NM_001407453.1); and 11 more; short protein forms S1105I, S1133I, S1175I, S1193I, S1074I, S1151I, S1206I, S1209I.
Identifiers: ClinVar variation 3635449 (VCV003635449.2).

ClinVar aggregate classification (germline): Uncertain significance (1 of 4 stars; one submission).

Conditions:
Familial adenomatous polyposis 1 (FAP1). Also called: FAMILIAL ADENOMATOUS POLYPOSIS 1, ATTENUATED; POLYPOSIS, ADENOMATOUS INTESTINAL. Identifiers: MedGen C2713442, MONDO:0021056, OMIM 175100. Disease mechanism: loss of function.

Submission:

Labcorp Genetics (formerly Invitae), Labcorp
Classification: Uncertain significance for Familial adenomatous polyposis 1. Last evaluated: 2024-03-28. Review status: criteria provided, single submitter. Criteria: Invitae Variant Classification Sherloc (09022015). Collection method: clinical testing. Allele origin: germline.
Comment: This sequence change replaces serine, which is neutral and polar, with isoleucine, which is neutral and non-polar, at codon 1234 of the APC protein (p.Ser1234Ile). This variant is not present in population databases (gnomAD no frequency). This variant has not been reported in the literature in individuals affected with APC-related conditions. Advanced modeling of protein sequence and biophysical properties (such as structural, functional, and spatial information, amino acid conservation, physicochemical variation, residue mobility, and thermodynamic stability) performed at Invitae indicates that this missense variant is not expected to disrupt APC protein function with a negative predictive value of 95%. In summary, the available evidence is currently insufficient to determine the role of this variant in disease. Therefore, it has been classified as a Variant of Uncertain Significance.